The following is an entry in ClinVar:

ClinVar aggregate classification (germline): Uncertain significance (0 of 4 stars; one submission).

Conditions:
COCH-related disorder. Also called: COCH-related condition.

gnomAD v4.1: 2 of 954,424 alleles (0.00021%); highest among the groups gnomAD compares: Admixed American, 0.0024%; no homozygotes.

Submission:

PreventionGenetics, part of Exact Sciences
Classification: Uncertain significance for COCH-related condition. Last evaluated: 2024-06-27. Review status: no assertion criteria provided. Collection method: clinical testing. Allele origin: germline.
Comment: The COCH c.247G>A variant is predicted to result in the amino acid substitution p.Asp83Asn. To our knowledge, this variant has not been reported in the literature or in a large population database, indicating this variant is rare. At this time, the clinical significance of this variant is uncertain due to the absence of conclusive functional and genetic evidence.

NM_004086.3(COCH):c.82+165G>A

Gene: COCH (cochlin; plus strand). Cytogenetic location: 14q12.
Variant type: single nucleotide variant.
Coding change: c.82+165G>A on transcript NM_004086.3 (MANE Select); 165 bases into the intron after coding-DNA position 82, G replaced by A.
Molecular consequence: intron variant. On other transcripts: missense variant (1).
Genome position (GRCh38, 1-based): chr14:30,875,268, G>A. VCF-style: chr14-30875268-G-A. GRCh37 (hg19) VCF-style: chr14-31344474-G-A.
Other names: c.247G>A, p.Asp83Asn (NM_001347720.2); c.82+165G>A (NM_001135058.2); short protein forms D83N.
Identifiers: ClinVar variation 3355907 (VCV003355907.1).